The following is an entry in ClinVar:

NC_000019.10:g.54923366C>T

Genes: NCR1 (natural cytotoxicity triggering receptor 1), NLRP7 (NLR family pyrin domain containing 7; minus strand). Cytogenetic location: 19q13.42.
Variant type: single nucleotide variant.
Genome position: GRCh38 VCF-style: chr19-54923366-C-T. GRCh37 (hg19) VCF-style: chr19-55434734-C-T.
Identifiers: ClinVar variation 127251 (VCV000127251.2), dbSNP rs199475831, ClinGen allele CA230806.

ClinVar aggregate classification (germline): not provided (0 of 4 stars; one submission).

Allele frequency attached by ClinVar (database versions not stated): gnomAD 0.00001.

Submission:

Human Evolutionary Genetics, Institut Pasteur
No classification provided. Review status: no classification provided. Collection method: not provided. Allele origin: germline.
ClinVar note: Converted during submission from untested to not provided.